The following is an entry in ClinVar:

ClinVar aggregate classification (germline): Uncertain significance (1 of 4 stars; one submission).

Allele frequency attached by ClinVar (database versions not stated): gnomAD exomes 0.00001; TOPMed 0.00001.
gnomAD v4.1: 7 of 1,613,916 alleles (0.00043%); highest among the groups gnomAD compares: Non-Finnish European, 0.00059%; no homozygotes.

Submission:

ARUP Laboratories, Molecular Genetics and Genomics, ARUP Laboratories
Classification: Uncertain significance. Last evaluated: 2020-08-06. Review status: criteria provided, single submitter. Criteria: ARUP Molecular Germline Variant Investigation Process. Collection method: clinical testing. Allele origin: germline.
Comment: The VWF c.4205A>G; p.Gln1402Arg variant (rs1182668622), to our knowledge, is not reported in the medical literature or gene specific databases. This variant is only observed on two alleles in the Genome Aggregation Database, indicating it is not a common polymorphism. The glutamine at codon 1402 is weakly conserved, but computational analyses (SIFT: Tolerated, PolyPhen-2: Probably Damaging) predict conflicting effects of this variant on protein structure/function. A different variant at this codon (c.4205A>C; p.Gln1402Pro) is reported in the literature in an individual with type 2M von Willebrand disease and shown to have collagen-binding defects (Flood 2015, Larsen 2013). Due to the limited information regarding p.Gln1402Arg, the clinical significance of this variant is uncertain at this time. References: Larsen DM et al. Variability in platelet- and collagen-binding defects in type 2M von Willebrand disease. Haemophilia. 2013;19(4):590-594. Flood VH et al. Crucial role for the VWF A1 domain in binding to type IV collagen. Blood. 2015;125(14):2297-2304.

NM_000552.5(VWF):c.4205A>G (p.Gln1402Arg)

Gene: VWF (von Willebrand factor; minus strand). Cytogenetic location: 12p13.31.
Variant type: single nucleotide variant.
Coding change: c.4205A>G on transcript NM_000552.5 (MANE Select); coding-DNA position 4205, A replaced by G.
Protein change: p.Gln1402Arg; replaces glutamine 1402 with arginine.
Molecular consequence: missense variant.
Genome position (GRCh38, 1-based): chr12:6,019,213, T>C on the plus strand (A>G on the coding strand, the complement: VWF is on the minus strand). VCF-style: chr12-6019213-T-C. GRCh37 (hg19) VCF-style: chr12-6128379-T-C.
Other names: short protein forms Q1402R.
Identifiers: ClinVar variation 993718 (VCV000993718.8), dbSNP rs1182668622, ClinGen allele CA383503965.
Genomic context (GRCh38, chr12:6,019,213, plus strand): 5'-AGGTTGGCATGGGGCCCAATGCCCACCGGGATCACAATGACCTTCTTCTTCTTCAGGCCC[T>C]GGACGTAGCGGACAAAGTTCCGGGACATCCGTTGGGGCTCCTGGCTGGCCATCAGGAGCA-3'
Protein context (NP_000543.3, residues 1392-1412): RMSRNFVRYV[Gln1402Arg]GLKKKKVIVI